The following is an entry in ClinVar:

NM_000516.7(GNAS):c.393_394delinsTT (p.Ile131_Leu132=)

Gene: GNAS (GNAS complex locus; plus strand). Cytogenetic location: 20q13.32.
Variant type: Indel.
Coding change: c.393_394delinsTT on transcript NM_000516.7 (MANE Select); coding-DNA positions 393 to 394, CC replaced by TT.
Protein change: p.Ile131_Leu132=.
Molecular consequence: synonymous variant. On other transcripts: 3 prime UTR variant (2).
Genome position (GRCh38, 1-based): chr20:58,903,752-58,903,753, CC replaced by TT. VCF-style: chr20-58903752-CC-TT. GRCh37 (hg19) VCF-style: chr20-57478807-CC-TT.
Other names: c.216_217delinsTT, p.Ile72_Leu73= (NM_001309840.2, NM_001309861.2); c.*299_*300delinsTT (NM_016592.5); c.297_298delinsTT, p.Ile99_Leu100= (NM_001410912.1); c.2277_2278delinsTT, p.Ile759_Leu760= (NM_001410913.1); c.396_397delinsTT, p.Ile132_Leu133= (NM_001077488.5); c.348_349delinsTT, p.Ile116_Leu117= (NM_001077489.4); c.*254_*255delinsTT (NM_001077490.3); c.2322_2323delinsTT, p.Ile774_Leu775= (NM_080425.4); and 1 more.
Identifiers: ClinVar variation 2893841 (VCV002893841.3), dbSNP rs2517084757, ClinGen allele CA2739277217.

ClinVar aggregate classification (germline): Uncertain significance (1 of 4 stars; one submission).

Submission:

Labcorp Genetics (formerly Invitae), Labcorp
Classification: Uncertain significance. Last evaluated: 2023-04-30. Review status: criteria provided, single submitter. Criteria: Invitae Variant Classification Sherloc (09022015). Collection method: clinical testing. Allele origin: germline.
Comment: In summary, the available evidence is currently insufficient to determine the role of this variant in disease. Therefore, it has been classified as a Variant of Uncertain Significance. Experimental studies and prediction algorithms are not available or were not evaluated, and the effect of this variant on mRNA splicing is currently unknown. This variant has not been reported in the literature in individuals affected with GNAS-related conditions. Information on the frequency of this variant in the gnomAD database is not available, as this variant may be reported differently in the database. This sequence change affects codon 131 of the GNAS mRNA. It is a 'silent' change, meaning that it does not change the encoded amino acid sequence of the GNAS protein.